The following is an entry in ClinVar:

NM_001384140.1(PCDH15):c.2913G>A (p.Gln971=)

Gene: PCDH15 (protocadherin related 15; minus strand). Cytogenetic location: 10q21.1.
Variant type: single nucleotide variant.
Coding change: c.2913G>A on transcript NM_001384140.1 (MANE Select); coding-DNA position 2913, G replaced by A.
Protein change: p.Gln971=; no amino-acid change (glutamine 971 retained).
Molecular consequence: synonymous variant.
Genome position (GRCh38, 1-based): chr10:53,961,848, C>T on the plus strand (G>A on the coding strand, the complement: PCDH15 is on the minus strand). VCF-style: chr10-53961848-C-T. GRCh37 (hg19) VCF-style: chr10-55721608-C-T.
Other names: c.2928G>A, p.Gln976= (NM_001142763.2, NM_001142771.2); c.2913G>A, p.Gln971= (NM_001142764.2, NM_001142766.2, NM_001142770.3 and 4 more transcripts); c.2700G>A, p.Gln900= (NM_001142765.2); c.2802G>A, p.Gln934= (NM_001142767.2); c.2847G>A, p.Gln949= (NM_001142768.2, NM_001142773.2, NM_001354404.2); c.2949G>A, p.Gln983= (NM_001142769.4); c.2934G>A, p.Gln978= (NM_001354411.2); c.2913G>A (NM_033056.3).
Identifiers: ClinVar variation 1986777 (VCV001986777.5), dbSNP rs377026699, ClinGen allele CA207210374.

ClinVar aggregate classification (germline): Likely benign. Review status: criteria provided, multiple submitters, no conflicts (2 of 4 stars). 2 submissions from 2 submitters: Likely benign (2). Last evaluated 2025-06-19.

Conditions:
PCDH15-related disorder. Also called: PCDH15-related condition; PCDH15-related disorders.

Allele frequency attached by ClinVar (database versions not stated): gnomAD 0.00002; TOPMed 0.00003; ESP Exome Variant Server 0.00008.
gnomAD v4.1: 3 of 1,610,376 alleles (0.00019%); highest among the groups gnomAD compares: African/African-American, 0.004%; no homozygotes.

Submissions (2):

PreventionGenetics, part of Exact Sciences
Classification: Likely benign for PCDH15-related condition. Last evaluated: 2025-06-19. Review status: criteria provided, single submitter. Criteria: ACMG Guidelines, 2015. Collection method: clinical testing. Allele origin: germline.
Comment: This variant is classified as likely benign based on ACMG/AMP sequence variant interpretation guidelines (Richards et al. 2015 PMID: 25741868, with internal and published modifications).

Labcorp Genetics (formerly Invitae), Labcorp
Classification: Likely benign. Last evaluated: 2023-10-06. Review status: criteria provided, single submitter. Criteria: Invitae Variant Classification Sherloc (09022015). Collection method: clinical testing. Allele origin: germline.